The following is an entry in ClinVar:

NM_001379270.1(CNGA1):c.1205C>T (p.Ala402Val)

Genes: CNGA1 (cyclic nucleotide gated channel subunit alpha 1; minus strand), LOC101927157 (uncharacterized LOC101927157; plus strand). Cytogenetic location: 4p12.
Variant type: single nucleotide variant.
Coding change: c.1205C>T on transcript NM_001379270.1 (MANE Select); coding-DNA position 1205, C replaced by T.
Protein change: p.Ala402Val; replaces alanine 402 with valine.
Molecular consequence: missense variant.
Genome position (GRCh38, 1-based): chr4:47,937,277, G>A on the plus strand (C>T on the coding strand, the complement: CNGA1 is on the minus strand). VCF-style: chr4-47937277-G-A. GRCh37 (hg19) VCF-style: chr4-47939294-G-A.
Other names: c.1205C>T, p.Ala402Val (NM_000087.5, NM_001142564.2); c.1217C>T (NM_000087.3); short protein forms A402V.
Identifiers: ClinVar variation 1402408 (VCV001402408.9), dbSNP rs2110129173, ClinGen allele CA356826619.
Genomic context (GRCh38, chr4:47,937,277, plus strand): 5'-ACATTTCGAAAATGCATATATTGCTTGATAGCATCAATTCTTGCTTGAAATTCTGCTCTG[G>A]CTGCATTCATGTTGGAAATCATAGAACCTATGTTACCAACGATGGTAGCAAAAATTAACA-3'
Protein context (NP_001366199.1, residues 392-412): IGSMISNMNA[Ala402Val]RAEFQARIDA

ClinVar aggregate classification (germline): Uncertain significance. Review status: criteria provided, multiple submitters, no conflicts (2 of 4 stars). 2 submissions from 2 submitters: Uncertain significance (2). Last evaluated 2024-03-16.

Allele frequency attached by ClinVar (database versions not stated): gnomAD exomes below 0.00001.
gnomAD v4.1: 1 of 1,613,850 alleles (0.000062%); highest among the groups gnomAD compares: Non-Finnish European, 0.000085%; no homozygotes.

Submissions (2):

GeneDx
Classification: Uncertain significance. Last evaluated: 2024-03-16. Review status: criteria provided, single submitter. Criteria: GeneDx Variant Classification Process June 2021. Collection method: clinical testing. Allele origin: germline. Affected: yes.
Comment: Has not been previously published as pathogenic or benign to our knowledge; Not observed at significant frequency in large population cohorts (gnomAD); In silico analysis supports that this missense variant does not alter protein structure/function

Labcorp Genetics (formerly Invitae), Labcorp
Classification: Uncertain significance. Last evaluated: 2022-03-26. Review status: criteria provided, single submitter. Criteria: Invitae Variant Classification Sherloc (09022015). Collection method: clinical testing. Allele origin: germline.
Comment: In summary, the available evidence is currently insufficient to determine the role of this variant in disease. Therefore, it has been classified as a Variant of Uncertain Significance. Algorithms developed to predict the effect of missense changes on protein structure and function (SIFT, PolyPhen-2, Align-GVGD) all suggest that this variant is likely to be disruptive. This variant has not been reported in the literature in individuals affected with CNGA1-related conditions. This variant is not present in population databases (gnomAD no frequency). This sequence change replaces alanine, which is neutral and non-polar, with valine, which is neutral and non-polar, at codon 406 of the CNGA1 protein (p.Ala406Val).